The following is an entry in ClinVar:

NM_016401.4(HIKESHI):c.518C>T (p.Pro173Leu)

Gene: HIKESHI (heat shock protein nuclear import factor hikeshi; plus strand). Cytogenetic location: 11q14.2.
Variant type: single nucleotide variant.
Coding change: c.518C>T on transcript NM_016401.4 (MANE Select); coding-DNA position 518, C replaced by T.
Protein change: p.Pro173Leu; replaces proline 173 with leucine.
Molecular consequence: missense variant. On other transcripts: non-coding transcript variant (3).
Genome position (GRCh38, 1-based): chr11:86,344,700, C>T. VCF-style: chr11-86344700-C-T. GRCh37 (hg19) VCF-style: chr11-86055742-C-T.
Other names: c.458C>T, p.Pro153Leu (NM_001322404.2); c.401C>T, p.Pro134Leu (NM_001322407.2, NM_001322409.2); short protein forms P134L, P153L, P173L.
Identifiers: ClinVar variation 3248553 (VCV003248553.2), dbSNP rs759061923.

ClinVar aggregate classification (germline): Likely pathogenic. Review status: criteria provided, single submitter (1 of 4 stars). 2 submissions from 2 submitters: Likely pathogenic (1). 1 of the submissions does not count toward it. Last evaluated 2025-01-08.

Conditions:
Leukodystrophy, hypomyelinating, 13. Identifiers: MedGen C4225170, MONDO:0014813, OMIM 616881.

Allele frequency attached by ClinVar (database versions not stated): gnomAD exomes 0.00001; ExAC 0.00002; gnomAD 0.00002; TOPMed 0.00002.
gnomAD v4.1: 19 of 1,608,518 alleles (0.0012%); highest among the groups gnomAD compares: Admixed American, 0.0033%; no homozygotes.

Submissions (2):

Genetics and Genomic Medicine Centre, NeuroGen Healthcare, NeuroGen Healthcare
Classification: Likely pathogenic for Leukodystrophy, hypomyelinating, 13. Last evaluated: 2025-01-08. Review status: criteria provided, single submitter. Criteria: ACMG Guidelines, 2015. Collection method: clinical testing. Allele origin: unknown. Affected: yes.

Center of Human Genetics, Hôpital Erasme
Classification: Likely pathogenic for Leukodystrophy, hypomyelinating, 13. Review status: no assertion criteria provided. Collection method: clinical testing. Allele origin: unknown, biparental. Inheritance: Autosomal recessive inheritance. Affected: no and yes. Observed: 7 variant alleles, 4 heterozygotes, 3 homozygotes. Not counted in ClinVar's aggregate classification.
Comment: Rare in gnomAD v4 (19 heterozygous et 0 homozygous), absent in ClinVar, conserved NT and AA, in the Hikeshi-like_C domain (136-197aa), MetaRNN Pathogenic Moderate 0.9325. Correlation with the phenotypes